The following is an entry in ClinVar:

NM_016616.5(NME8):c.165A>T (p.Glu55Asp)

Gene: NME8 (NME/NM23 family member 8; plus strand). Cytogenetic location: 7p14.1.
Variant type: single nucleotide variant.
Coding change: c.165A>T on transcript NM_016616.5 (MANE Select); coding-DNA position 165, A replaced by T.
Protein change: p.Glu55Asp; replaces glutamic acid 55 with aspartic acid.
Molecular consequence: missense variant.
Genome position (GRCh38, 1-based): chr7:37,850,702, A>T. VCF-style: chr7-37850702-A-T. GRCh37 (hg19) VCF-style: chr7-37890304-A-T.
Other names: short protein forms E55D.
Identifiers: ClinVar variation 1403932 (VCV001403932.6), dbSNP rs2131937781, ClinGen allele CA367219587.
Genomic context (GRCh38, chr7:37,850,702, plus strand): 5'-CCAAGCCTGGTGTGGACCTTGCAGAGCAATGCAACCTTTATTCAGAAAATTGAAAAATGA[A>T]CTGAACGAAGACGAAATTCTGCATTTTGCTGTCGTAAGAATTTTGTTTTCATTAAACCAC-3'
Protein context (NP_057700.3, residues 45-65): MQPLFRKLKN[Glu55Asp]LNEDEILHFA

ClinVar aggregate classification (germline): Uncertain significance (1 of 4 stars; one submission).

Conditions:
Primary ciliary dyskinesia 6. Also called: Primary Ciliary Dyskinesia 6: TXNDC3-Related Primary Ciliary Dyskinesia. Identifiers: Orphanet 244, MedGen C1970506, MONDO:0012571, OMIM 610852.

gnomAD v4.1: 1 of 1,613,744 alleles (0.000062%); no homozygotes.

Submission:

Labcorp Genetics (formerly Invitae), Labcorp
Classification: Uncertain significance for Primary ciliary dyskinesia 6. Last evaluated: 2022-03-02. Review status: criteria provided, single submitter. Criteria: Invitae Variant Classification Sherloc (09022015). Collection method: clinical testing. Allele origin: germline.
Comment: This sequence change replaces glutamic acid, which is acidic and polar, with aspartic acid, which is acidic and polar, at codon 55 of the NME8 protein (p.Glu55Asp). This variant is not present in population databases (gnomAD no frequency). This variant has not been reported in the literature in individuals affected with NME8-related conditions. Algorithms developed to predict the effect of missense changes on protein structure and function are either unavailable or do not agree on the potential impact of this missense change (SIFT: "Tolerated"; PolyPhen-2: "Possibly Damaging"; Align-GVGD: "Class C0"). In summary, the available evidence is currently insufficient to determine the role of this variant in disease. Therefore, it has been classified as a Variant of Uncertain Significance.